The following is an entry in ClinVar:

NM_000178.4(GSS):c.1054G>A (p.Ala352Thr)

Gene: GSS (glutathione synthetase; minus strand). Cytogenetic location: 20q11.22.
Variant type: single nucleotide variant.
Coding change: c.1054G>A on transcript NM_000178.4 (MANE Select); coding-DNA position 1054, G replaced by A.
Protein change: p.Ala352Thr; replaces alanine 352 with threonine.
Molecular consequence: missense variant.
Genome position (GRCh38, 1-based): chr20:34,931,393, C>T on the plus strand (G>A on the coding strand, the complement: GSS is on the minus strand). VCF-style: chr20-34931393-C-T. GRCh37 (hg19) VCF-style: chr20-33519196-C-T.
Other names: p.Ala352Thr; c.1054G>A, p.Ala352Thr (NM_001322494.1, NM_001322495.1, LRG_1168t1); short protein forms A352T.
Identifiers: ClinVar variation 650657 (VCV000650657.17), dbSNP rs143974068, ClinGen allele CA9825889.

ClinVar aggregate classification (germline): Conflicting classifications of pathogenicity. Review status: criteria provided, conflicting classifications (1 of 4 stars). 5 submissions from 5 submitters: Uncertain significance (4); Likely benign (1). Last evaluated 2024-05-28.

Conditions:
Inherited glutathione synthetase deficiency. Identifiers: Orphanet 32, MedGen C5979912, MONDO:0017909.
Inborn genetic diseases. Identifiers: MedGen C0950123, MeSH D030342.

Allele frequency attached by ClinVar (database versions not stated): ExAC 0.00008; gnomAD exomes 0.00011 and 0.00022; ESP Exome Variant Server 0.00015; TOPMed 0.00016; gnomAD 0.00019 and 0.00021; 1000 Genomes Project 0.00020; 1000 Genomes Project 30x 0.00031.
gnomAD v4.1: 342 of 1,614,146 alleles (0.021%); highest among the groups gnomAD compares: Non-Finnish European, 0.028%; no homozygotes.

Submissions (5):

Revvity Omics, Revvity
Classification: Uncertain significance. Last evaluated: 2024-05-28. Review status: criteria provided, single submitter. Criteria: ACMG Guidelines, 2015. Collection method: clinical testing. Allele origin: germline.

Ambry Genetics
Classification: Likely benign for Inborn genetic diseases. Last evaluated: 2023-03-02. Review status: criteria provided, single submitter. Criteria: Ambry Variant Classification Scheme 2023. Collection method: clinical testing. Allele origin: germline.

Labcorp Genetics (formerly Invitae), Labcorp
Classification: Uncertain significance for Glutathione synthetase deficiency with 5-oxoprolinuria. Last evaluated: 2022-08-31. Review status: criteria provided, single submitter. Criteria: Invitae Variant Classification Sherloc (09022015). Collection method: clinical testing. Allele origin: germline.
Comment: This sequence change replaces alanine, which is neutral and non-polar, with threonine, which is neutral and polar, at codon 352 of the GSS protein (p.Ala352Thr). This variant is present in population databases (rs143974068, gnomAD 0.03%). This variant has not been reported in the literature in individuals affected with GSS-related conditions. ClinVar contains an entry for this variant (Variation ID: 650657). Algorithms developed to predict the effect of missense changes on protein structure and function output the following: SIFT: "Tolerated"; PolyPhen-2: "Benign"; Align-GVGD: "Class C0". The threonine amino acid residue is found in multiple mammalian species, which suggests that this missense change does not adversely affect protein function. In summary, the available evidence is currently insufficient to determine the role of this variant in disease. Therefore, it has been classified as a Variant of Uncertain Significance.

Mayo Clinic Laboratories, Mayo Clinic
Classification: Uncertain significance. Last evaluated: 2021-12-06. Review status: criteria provided, single submitter. Criteria: ACMG Guidelines, 2015. Collection method: clinical testing. Allele origin: germline.

ARUP Laboratories, Molecular Genetics and Genomics, ARUP Laboratories
Classification: Uncertain significance. Last evaluated: 2021-07-30. Review status: criteria provided, single submitter. Criteria: ARUP Molecular Germline Variant Investigation Process 2021. Collection method: clinical testing. Allele origin: germline.